The following is an entry in ClinVar:

ClinVar aggregate classification (germline): Uncertain significance. Review status: criteria provided, multiple submitters, no conflicts (2 of 4 stars). 2 submissions from 2 submitters: Uncertain significance (2). Last evaluated 2025-06-03.

Conditions:
Inborn genetic diseases. Identifiers: MedGen C0950123, MeSH D030342.

Allele frequency attached by ClinVar (database versions not stated): TOPMed 0.00001.
gnomAD v4.1: 3 of 1,604,612 alleles (0.00019%); highest among the groups gnomAD compares: Admixed American, 0.005%; no homozygotes.

Submissions (2):

Ambry Genetics
Classification: Uncertain significance for Inborn genetic diseases. Last evaluated: 2025-06-03. Review status: criteria provided, single submitter. Criteria: Ambry Variant Classification Scheme 2023. Collection method: clinical testing. Allele origin: germline.

Labcorp Genetics (formerly Invitae), Labcorp
Classification: Uncertain significance. Last evaluated: 2022-05-06. Review status: criteria provided, single submitter. Criteria: Invitae Variant Classification Sherloc (09022015). Collection method: clinical testing. Allele origin: germline.
Comment: This sequence change replaces glycine, which is neutral and non-polar, with serine, which is neutral and polar, at codon 368 of the SLC18A3 protein (p.Gly368Ser). This variant is present in population databases (no rsID available, gnomAD 0.009%). This variant has not been reported in the literature in individuals affected with SLC18A3-related conditions. Algorithms developed to predict the effect of missense changes on protein structure and function (SIFT, PolyPhen-2, Align-GVGD) all suggest that this variant is likely to be disruptive. In summary, the available evidence is currently insufficient to determine the role of this variant in disease. Therefore, it has been classified as a Variant of Uncertain Significance.

NM_003055.3(SLC18A3):c.1102G>A (p.Gly368Ser)

Genes: SLC18A3 (solute carrier family 18 member A3; plus strand), CHAT (choline O-acetyltransferase; plus strand). Cytogenetic location: 10q11.23.
Variant type: single nucleotide variant.
Coding change: c.1102G>A on transcript NM_003055.3 (MANE Select); coding-DNA position 1102, G replaced by A.
Protein change: p.Gly368Ser; replaces glycine 368 with serine.
Molecular consequence: missense variant. On other transcripts: intron variant (1).
Genome position (GRCh38, 1-based): chr10:49,611,842, G>A. VCF-style: chr10-49611842-G-A. GRCh37 (hg19) VCF-style: chr10-50819888-G-A.
Other names: c.-69+2643G>A (NM_020984.4); short protein forms G368S.
Identifiers: ClinVar variation 1966675 (VCV001966675.3), dbSNP rs1442666308, ClinGen allele CA376722048.